The following is an entry in ClinVar:

NM_015275.3(WASHC4):c.2192A>G (p.His731Arg)

Gene: WASHC4 (WASH complex subunit 4; plus strand). Cytogenetic location: 12q23.3.
Variant type: single nucleotide variant.
Coding change: c.2192A>G on transcript NM_015275.3 (MANE Select); coding-DNA position 2192, A replaced by G.
Protein change: p.His731Arg; replaces histidine 731 with arginine.
Molecular consequence: missense variant.
Genome position (GRCh38, 1-based): chr12:105,144,730, A>G. VCF-style: chr12-105144730-A-G. GRCh37 (hg19) VCF-style: chr12-105538508-A-G.
Other names: c.2195A>G, p.His732Arg (NM_001293640.2); short protein forms H731R, H732R.
Identifiers: ClinVar variation 4755860 (VCV004755860.1).
Genomic context (GRCh38, chr12:105,144,730, plus strand): 5'-CTTTTCCTTTTCTACTGTTTCACAAGTTGAATTTTTTTTTTTTGGTAGCTTACGTAACTC[A>G]CTACCTAGACAAGACTTTCTACAATCTAACAACTGTAGCCCTTCATGACTGGGCCACTTA-3'
Protein context (NP_056090.1, residues 721-741): RFIDIRAYVT[His731Arg]YLDKTFYNLT

ClinVar aggregate classification (germline): Uncertain significance (1 of 4 stars; one submission).

gnomAD v4.1: 2 of 1,610,540 alleles (0.00012%); highest among the groups gnomAD compares: Non-Finnish European, 0.00017%; no homozygotes.

Submission:

GeneDx
Classification: Uncertain significance. Last evaluated: 2025-08-03. Review status: criteria provided, single submitter. Criteria: GeneDx Variant Classification Process June 2021. Collection method: clinical testing. Allele origin: germline. Affected: yes.
Comment: Not observed at significant frequency in large population cohorts (gnomAD); In silico analysis supports that this missense variant has a deleterious effect on protein structure/function; Has not been previously published as pathogenic or benign to our knowledge